The following is an entry in ClinVar:

NM_001414.4(EIF2B1):c.524T>A (p.Val175Asp)

Gene: EIF2B1 (eukaryotic translation initiation factor 2B subunit alpha; minus strand). Cytogenetic location: 12q24.31.
Variant type: single nucleotide variant.
Coding change: c.524T>A on transcript NM_001414.4 (MANE Select); coding-DNA position 524, T replaced by A.
Protein change: p.Val175Asp; replaces valine 175 with aspartic acid.
Molecular consequence: missense variant.
Genome position (GRCh38, 1-based): chr12:123,626,452, A>T on the plus strand (T>A on the coding strand, the complement: EIF2B1 is on the minus strand). VCF-style: chr12-123626452-A-T. GRCh37 (hg19) VCF-style: chr12-124110999-A-T.
Other names: short protein forms V175D.
Identifiers: ClinVar variation 915406 (VCV000915406.5), dbSNP rs1955149380, ClinGen allele CA387141833.

ClinVar aggregate classification (germline): Uncertain significance. Review status: criteria provided, multiple submitters, no conflicts (2 of 4 stars). 2 submissions from 2 submitters: Uncertain significance (2). Last evaluated 2026-03-11.

Conditions:
Vanishing white matter disease. Also called: CACH syndrome; Childhood ataxia with diffuse central nervous system hypomyelination; Leukoencephalopathy with vanishing white matter; CACH/VWM syndrome; Cree leukoencehalopathy. Identifiers: Orphanet 135, Orphanet 99853, MedGen C1858991, MONDO:0800448.
Leukoencephalopathy with vanishing white matter 1 (VWM1). Also called: Cree leukoencephalopathy; CHILDHOOD ATAXIA WITH CENTRAL NERVOUS SYSTEM HYPOMYELINIZATION; Vanishing white matter leukodystrophy; EIF2B1-Related Childhood Ataxia with Central Nervous System Hypomyelination/Vanishing White Matter. Identifiers: Orphanet 99854, MedGen C5779972, MONDO:0020507, OMIM 603896.

Submissions (2):

Victorian Clinical Genetics Services, Murdoch Childrens Research Institute
Classification: Uncertain significance for Leukoencephalopathy with vanishing white matter 1. Last evaluated: 2026-03-11. Review status: criteria provided, single submitter. Criteria: ACMG Guidelines, 2015. Collection method: clinical testing. Allele origin: germline. Affected: yes.
Comment: This variant is classified as VUS-3A. Evidence in support of pathogenic classification: Variant is absent from gnomAD (v2, v3 and v4); Missense variant predicted to be damaging by in silico tool(s) or highly conserved with a major amino acid change; Strong phenotype match for this individual. Additional information: Variant is predicted to result in a missense amino acid change from Val to Asp; This variant is heterozygous; This gene is associated with autosomal recessive disease. However, there is emerging evidence of heterozygous de novo variants causing a dominant form of disease in babies with neonatal diabetes and transient hepatic dysfunction (PMID: 31882561); Previous evidence of pathogenicity for this variant is inconclusive. This variant has been classified as a VUS by a clinical laboratory in ClinVar; No published evidence of segregation with disease has been identified for this variant; No published functional evidence has been identified for this variant; No comparable missense variants have previous evidence for pathogenicity; Variant is located in the annotated IF-2B domain (DECIPHER); Loss of function is a known mechanism of disease in this gene and is associated with leukoencephalopathy with vanishing white matter 1, with or without ovarian failure (MIM#603896).

Genomic Research Center, Shahid Beheshti University of Medical Sciences
Classification: Uncertain significance for Leukoencephalopathy with vanishing white matter 1. Last evaluated: 2020-05-03. Review status: criteria provided, single submitter. Criteria: ACMG Guidelines, 2015. Collection method: clinical testing. Allele origin: unknown. Affected: yes.

Literature cited by the submitters: PubMed 31882561 (cited by Victorian Clinical Genetics Services, Murdoch Childrens Research Institute).